The following is an entry in ClinVar:

ClinVar aggregate classification (germline): Likely benign. Review status: criteria provided, multiple submitters, no conflicts (2 of 4 stars). 2 submissions from 2 submitters: Likely benign (2). Last evaluated 2025-07-18.

Conditions:
Dilated cardiomyopathy 1G (CMD1G). Identifiers: Orphanet 154, MedGen C1858763, MONDO:0011400, OMIM 604145.
Autosomal recessive limb-girdle muscular dystrophy type 2J (LGMDR10). Also called: Limb-girdle muscular dystrophy, type 2J; MUSCULAR DYSTROPHY, LIMB-GIRDLE, AUTOSOMAL RECESSIVE 10. Identifiers: Orphanet 140922, MedGen C1837342, MONDO:0012127, OMIM 608807.

Allele frequency attached by ClinVar (database versions not stated): gnomAD exomes below 0.00001; ExAC 0.00001; gnomAD 0.00001.
gnomAD v4.1: 2 of 1,613,828 alleles (0.00012%); highest among the groups gnomAD compares: Admixed American, 0.0033%; no homozygotes.

Submissions (2):

Labcorp Genetics (formerly Invitae), Labcorp
Classification: Likely benign for Dilated cardiomyopathy 1G; Autosomal recessive limb-girdle muscular dystrophy type 2J. Last evaluated: 2025-07-18. Review status: criteria provided, single submitter. Criteria: Invitae Variant Classification Sherloc (09022015). Collection method: clinical testing. Allele origin: germline.

Women's Health and Genetics/Laboratory Corporation of America, LabCorp
Classification: Likely benign. Last evaluated: 2022-04-25. Review status: criteria provided, single submitter. Criteria: LabCorp Variant Classification Summary - May 2015. Collection method: clinical testing. Allele origin: germline.
Comment: Variant summary: TTN c.84990T>C alters a conserved nucleotide resulting in a synonymous change. 4/4 computational tools predict no significant impact on normal splicing. However, these predictions have yet to be confirmed by functional studies. The variant allele was found at a frequency of 4e-06 in 248826 control chromosomes. The available data on variant occurrences in the general population are insufficient to allow any conclusion about variant significance. To our knowledge, no occurrence of c.84990T>C in individuals affected with Dilated Cardiomyopathy and no experimental evidence demonstrating its impact on protein function have been reported. One clinical diagnostic laboratory has submitted clinical-significance assessments for this variant to ClinVar after 2014 without evidence for independent evaluation. One laboratory classified the variant as likely benign. Based on the evidence outlined above, the variant was classified as likely benign.

NM_001267550.2(TTN):c.92694T>C (p.Ala30898=)

Genes: TTN (titin; minus strand), TTN-AS1 (TTN antisense RNA 1; plus strand). Cytogenetic location: 2q31.2.
Variant type: single nucleotide variant.
Coding change: c.92694T>C on transcript NM_001267550.2 (MANE Select); coding-DNA position 92694, T replaced by C.
Protein change: p.Ala30898=; no amino-acid change (alanine 30898 retained).
Molecular consequence: synonymous variant.
Genome position (GRCh38, 1-based): chr2:178,548,932, A>G on the plus strand (T>C on the coding strand, the complement: TTN is on the minus strand). VCF-style: chr2-178548932-A-G. GRCh37 (hg19) VCF-style: chr2-179413659-A-G.
Other names: c.87771T>C, p.Ala29257= (NM_001256850.1); c.65499T>C, p.Ala21833= (NM_003319.4); c.84990T>C, p.Ala28330= (NM_133378.4); c.65874T>C, p.Ala21958= (NM_133432.3); c.66075T>C, p.Ala22025= (NM_133437.4).
Identifiers: ClinVar variation 1603980 (VCV001603980.9), dbSNP rs760506340, ClinGen allele CA1987419.